The following is an entry in ClinVar:

NM_020778.5(ALPK3):c.5078C>A (p.Pro1693His)

Gene: ALPK3 (alpha kinase 3; plus strand). Cytogenetic location: 15q25.3.
Variant type: single nucleotide variant.
Coding change: c.5078C>A on transcript NM_020778.5 (MANE Select); coding-DNA position 5078, C replaced by A.
Protein change: p.Pro1693His; replaces proline 1693 with histidine.
Molecular consequence: missense variant.
Genome position (GRCh38, 1-based): chr15:84,868,416, C>A. VCF-style: chr15-84868416-C-A. GRCh37 (hg19) VCF-style: chr15-85411647-C-A.
Other names: short protein forms P1693H.
Identifiers: ClinVar variation 3620752 (VCV003620752.2).

ClinVar aggregate classification (germline): Uncertain significance (1 of 4 stars; one submission).

Submission:

Labcorp Genetics (formerly Invitae), Labcorp
Classification: Uncertain significance. Last evaluated: 2024-08-19. Review status: criteria provided, single submitter. Criteria: Invitae Variant Classification Sherloc (09022015). Collection method: clinical testing. Allele origin: germline.
Comment: This sequence change replaces proline, which is neutral and non-polar, with histidine, which is basic and polar, at codon 1895 of the ALPK3 protein (p.Pro1895His). This variant is not present in population databases (gnomAD no frequency). This variant has not been reported in the literature in individuals affected with ALPK3-related conditions. An algorithm developed to predict the effect of missense changes on protein structure and function (PolyPhen-2) suggests that this variant is likely to be disruptive. In summary, the available evidence is currently insufficient to determine the role of this variant in disease. Therefore, it has been classified as a Variant of Uncertain Significance.